The following is an entry in ClinVar:

ClinVar aggregate classification (germline): Uncertain significance (1 of 4 stars; one submission).

gnomAD v4.1: 97 of 1,613,994 alleles (0.006%); highest among the groups gnomAD compares: South Asian, 0.1%; 2 homozygotes.

Submission:

Labcorp Genetics (formerly Invitae), Labcorp
Classification: Uncertain significance. Last evaluated: 2025-12-23. Review status: criteria provided, single submitter. Criteria: Invitae Variant Classification Sherloc (09022015). Collection method: clinical testing. Allele origin: germline.
Comment: This sequence change replaces tyrosine, which is neutral and polar, with histidine, which is basic and polar, at codon 455 of the KIF23 protein (p.Tyr455His). This variant is present in population databases (rs760919839, gnomAD 0.07%), and has an allele count higher than expected for a pathogenic variant. This variant has not been reported in the literature in individuals affected with KIF23-related conditions. Invitae Evidence Modeling of protein sequence and biophysical properties (such as structural, functional, and spatial information, amino acid conservation, physicochemical variation, residue mobility, and thermodynamic stability) indicates that this missense variant is not expected to disrupt KIF23 protein function with a negative predictive value of 80%. In summary, the available evidence is currently insufficient to determine the role of this variant in disease. Therefore, it has been classified as a Variant of Uncertain Significance.

NM_001367805.3(KIF23):c.1405T>C (p.Tyr469His)

Gene: KIF23 (kinesin family member 23; plus strand). Cytogenetic location: 15q23.
Variant type: single nucleotide variant.
Coding change: c.1405T>C on transcript NM_001367805.3 (MANE Select); coding-DNA position 1405, T replaced by C.
Protein change: p.Tyr469His; replaces tyrosine 469 with histidine.
Molecular consequence: missense variant. On other transcripts: non-coding transcript variant (2).
Genome position (GRCh38, 1-based): chr15:69,436,228, T>C. VCF-style: chr15-69436228-T-C. GRCh37 (hg19) VCF-style: chr15-69728567-T-C.
Other names: c.1033T>C, p.Tyr345His (NM_001281301.2); c.1363T>C, p.Tyr455His (NM_001367804.2, NM_004856.7, NM_138555.4); short protein forms Y345H, Y455H, Y469H.
Identifiers: ClinVar variation 4752226 (VCV004752226.1).